The following is an entry in ClinVar:

NM_002769.5(PRSS1):c.676C>T (p.Pro226Ser)

Genes: PRSS1 (serine protease 1; plus strand), TRB (T cell receptor beta locus; plus strand). Cytogenetic location: 7q34.
Variant type: single nucleotide variant.
Coding change: c.676C>T on transcript NM_002769.5 (MANE Select); coding-DNA position 676, C replaced by T.
Protein change: p.Pro226Ser; replaces proline 226 with serine.
Molecular consequence: missense variant. On other transcripts: non-coding transcript variant (5).
Genome position (GRCh38, 1-based): chr7:142,752,952, C>T. VCF-style: chr7-142752952-C-T. GRCh37 (hg19) VCF-style: chr7-142460803-C-T.
Other names: short protein forms P226S.
Identifiers: ClinVar variation 3939035 (VCV003939035.1).

ClinVar aggregate classification (germline): Uncertain significance (1 of 4 stars; one submission).

Conditions:
Hereditary pancreatitis (PCTT). Also called: Hereditary chronic pancreatitis; PRSS1-Related Hereditary Pancreatitis. Identifiers: Orphanet 676, MedGen C0238339, MONDO:0008185, OMIM 167800.

Submission:

Ambry Genetics
Classification: Uncertain significance for Hereditary pancreatitis. Last evaluated: 2025-04-09. Review status: criteria provided, single submitter. Criteria: Ambry Variant Classification Scheme 2023. Collection method: clinical testing. Allele origin: germline.
Comment: The p.P226S variant (also known as c.676C>T), located in coding exon 5 of the PRSS1 gene, results from a C to T substitution at nucleotide position 676. The proline at codon 226 is replaced by serine, an amino acid with similar properties. This amino acid position is conserved. In addition, this alteration is predicted to be deleterious by in silico analysis. Based on the available evidence, the clinical significance of this variant remains unclear.